The following is an entry in ClinVar:

ClinVar aggregate classification (germline): Pathogenic. Review status: criteria provided, multiple submitters, no conflicts (2 of 4 stars). 2 submissions from 2 submitters: Pathogenic (2). Last evaluated 2024-05-23.

Conditions:
Nemaline myopathy 2 (NEM2). Also called: Nemaline myopathy 2, autosomal recessive. Identifiers: MedGen C1850569, MONDO:0009725, OMIM 256030.

Submissions (2):

Myriad Genetics, Inc.
Classification: Pathogenic for Nemaline myopathy 2. Last evaluated: 2024-05-23. Review status: criteria provided, single submitter. Criteria: Myriad Autosomal Dominant, Autosomal Recessive and X-Linked Classification Criteria (2023). Collection method: clinical testing. Allele origin: unknown.
Comment: NM_001271208.1(NEB):c.24722delC(T8241Nfs*10) is expected to be pathogenic in the context of NEB-related nemaline myopathy. This variant is predicted to lead to an abnormal or absent protein product due to the creation of a premature termination codon in NEB, a gene where loss-of-function variants are known to be pathogenic. Please note: this variant was assessed in the context of healthy population screening.

Labcorp Genetics (formerly Invitae), Labcorp
Classification: Pathogenic for Nemaline myopathy 2. Last evaluated: 2021-08-16. Review status: criteria provided, single submitter. Criteria: Invitae Variant Classification Sherloc (09022015). Collection method: clinical testing. Allele origin: germline.
Comment: For these reasons, this variant has been classified as Pathogenic. This variant has not been reported in the literature in individuals affected with NEB-related conditions. This variant is not present in population databases (ExAC no frequency). This sequence change creates a premature translational stop signal (p.Thr8241Asnfs*10) in the NEB gene. It is expected to result in an absent or disrupted protein product. Loss-of-function variants in NEB are known to be pathogenic (PMID: 25205138).

Literature cited by the submitters: PubMed 25205138 (cited by Labcorp Genetics (formerly Invitae), Labcorp).

NM_001164508.2(NEB):c.24617del (p.Thr8206fs)

Genes: NEB (nebulin; minus strand), RIF1 (replication timing regulatory factor 1; plus strand). Cytogenetic location: 2q23.3.
Variant type: Deletion.
Coding change: c.24617del on transcript NM_001164508.2 (MANE Select); coding-DNA position 24617, one base deleted (C; older notation c.24617delC).
Protein change: p.Thr8206fs; shifts the reading frame from threonine 8206.
Molecular consequence: frameshift variant.
Genome position (GRCh38, 1-based): chr2:151,493,830, G deleted on the plus strand (C on the coding strand, the reverse complement: NEB is on the minus strand). VCF-style (leftmost placement, unchanged base first): chr2-151493829-TG-T. GRCh37 (hg19) VCF-style: chr2-152350343-TG-T.
Other names: c.24617del, p.Thr8206fs (NM_001164507.2); c.24722del, p.Thr8241fs (NM_001271208.2); c.19049del, p.Thr6350fs (NM_004543.5); short protein forms T8241fs, T6350fs, T8206fs.
Identifiers: ClinVar variation 1451217 (VCV001451217.7), dbSNP rs2152863770, ClinGen allele CA2573133045.
Genomic context (GRCh38, chr2:151,493,829, plus strand): 5'-AAATACCGAGCTAAAGTTTTCTTGATTGCGTTTCACTCTTTCCATCTCAGGAGTAAAGGG[TG>T]TGGGGGTTGCTTTCCCCAGGTTCTCTTTGTATAACACCTGTGAGATACAAAGTCATGCCC-3'